The following is an entry in ClinVar:

NM_181426.2(CCDC39):c.1072del (p.Thr358fs)

Gene: CCDC39 (coiled-coil domain 39 molecular ruler complex subunit; minus strand). Cytogenetic location: 3q26.33.
Variant type: Deletion.
Coding change: c.1072del on transcript NM_181426.2 (MANE Select); coding-DNA position 1072, one base deleted (A; older notation c.1072delA).
Protein change: p.Thr358fs; shifts the reading frame from threonine 358.
Molecular consequence: frameshift variant.
Genome position (GRCh38, 1-based): chr3:180,651,496, T deleted on the plus strand (A on the coding strand, the reverse complement: CCDC39 is on the minus strand); the first of 3 consecutive T bases (chr3:180,651,496-180,651,498); deleting any one gives the same sequence. VCF-style (leftmost placement, unchanged base first): chr3-180651495-GT-G. GRCh37 (hg19) VCF-style: chr3-180369283-GT-G.
Other names: c.1072del (NM_181426.1); short protein forms T358fs.
Identifiers: ClinVar variation 65998 (VCV000065998.14), dbSNP rs587778822, ClinGen allele CA345284.

ClinVar aggregate classification (germline): Pathogenic. Review status: criteria provided, multiple submitters, no conflicts (2 of 4 stars). 4 submissions from 4 submitters: Pathogenic (2). 2 of the submissions do not count toward it. Last evaluated 2025-01-14.

Conditions:
Primary ciliary dyskinesia. Also called: Ciliary dyskinesia. Identifiers: Orphanet 244, MedGen C0008780, MONDO:0016575, HP:0012265.
Primary ciliary dyskinesia 14. Also called: CILIARY DYSKINESIA, PRIMARY, 14, WITH OR WITHOUT SITUS INVERSUS. Identifiers: Orphanet 244, MedGen C3151136, MONDO:0013434, OMIM 613807.

Submissions (4):

Labcorp Genetics (formerly Invitae), Labcorp
Classification: Pathogenic for Primary ciliary dyskinesia. Last evaluated: 2025-01-14. Review status: criteria provided, single submitter. Criteria: Invitae Variant Classification Sherloc (09022015). Collection method: clinical testing. Allele origin: germline.
Comment: This sequence change creates a premature translational stop signal (p.Thr358Glnfs*3) in the CCDC39 gene. It is expected to result in an absent or disrupted protein product. Loss-of-function variants in CCDC39 are known to be pathogenic (PMID: 21131972, 23255504). This variant is present in population databases (rs587778822, gnomAD 0.005%). This premature translational stop signal has been observed in individual(s) with primary ciliary dyskinesia (PMID: 21131972, 22693285, 25186273). ClinVar contains an entry for this variant (Variation ID: 65998). Algorithms developed to predict the effect of sequence changes on RNA splicing suggest that this variant may disrupt the consensus splice site. For these reasons, this variant has been classified as Pathogenic.

Clinical Genetics Laboratory, Skane University Hospital Lund
Classification: Pathogenic. Last evaluated: 2023-02-23. Review status: criteria provided, single submitter. Criteria: ACMG Guidelines, 2015. Collection method: clinical testing. Allele origin: germline. Affected: yes.

GeneReviews
Classification: Pathogenic for Primary Ciliary Dyskinesia. Last evaluated: 2011-09-15. Review status: no assertion criteria provided. Collection method: curation. Allele origin: unknown. Not counted in ClinVar's aggregate classification.
ClinVar note: Converted during submission from pathologic to Pathogenic.

OMIM
Classification: Pathogenic for CILIARY DYSKINESIA, PRIMARY, 14. Last evaluated: 2011-01-01. Review status: no assertion criteria provided. Collection method: literature only. Allele origin: germline. Not counted in ClinVar's aggregate classification.

Literature cited by the submitters: PubMed 21131972 (cited by Labcorp Genetics (formerly Invitae), Labcorp and OMIM); PubMed 23255504 (cited by Labcorp Genetics (formerly Invitae), Labcorp); PubMed 22693285 (cited by Labcorp Genetics (formerly Invitae), Labcorp); PubMed 25186273 (cited by Labcorp Genetics (formerly Invitae), Labcorp).